The following is an entry in ClinVar:

NM_001349253.2(SCN11A):c.910A>G (p.Lys304Glu)

Gene: SCN11A (sodium voltage-gated channel alpha subunit 11; minus strand). Cytogenetic location: 3p22.2.
Variant type: single nucleotide variant.
Coding change: c.910A>G on transcript NM_001349253.2 (MANE Select); coding-DNA position 910, A replaced by G.
Protein change: p.Lys304Glu; replaces lysine 304 with glutamic acid.
Molecular consequence: missense variant.
Genome position (GRCh38, 1-based): chr3:38,919,984, T>C on the plus strand (A>G on the coding strand, the complement: SCN11A is on the minus strand). VCF-style: chr3-38919984-T-C. GRCh37 (hg19) VCF-style: chr3-38961475-T-C.
Other names: c.910A>G, p.Lys304Glu (NM_014139.3); short protein forms K304E.
Identifiers: ClinVar variation 3757455 (VCV003757455.2).
Genomic context (GRCh38, chr3:38,919,984, plus strand): 5'-AAACCTCTTACCTGTTACCCATCCAGATGCCACACATTTTGAATTCAGGTGAATTTTCTT[T>C]CTTTTCAAAGCAATGGTCTGAGAGAGGAAAAAGTCATAAATTCAGATTTTAAAAAAAACA-3'
Protein context (NP_001336182.1, residues 294-314): PEAYDHCFEK[Lys304Glu]ENSPEFKMCG

ClinVar aggregate classification (germline): Uncertain significance (1 of 4 stars; one submission).

Conditions:
Hereditary sensory and autonomic neuropathy type 7. Also called: Neuropathy, hereditary sensory and autonomic, type VII; HSAN VII. Identifiers: Orphanet 391397, MedGen C3809882, MONDO:0014244, OMIM 615548.
Familial episodic pain syndrome with predominantly lower limb involvement. Also called: Episodic pain syndrome, familial, 3. Identifiers: Orphanet 391384, Orphanet 391392, MedGen C3809899, MONDO:0014247, OMIM 615552.

Submission:

Labcorp Genetics (formerly Invitae), Labcorp
Classification: Uncertain significance for Familial episodic pain syndrome with predominantly lower limb involvement; Hereditary sensory and autonomic neuropathy type 7. Last evaluated: 2024-07-30. Review status: criteria provided, single submitter. Criteria: Invitae Variant Classification Sherloc (09022015). Collection method: clinical testing. Allele origin: germline.
Comment: This sequence change replaces lysine, which is basic and polar, with glutamic acid, which is acidic and polar, at codon 304 of the SCN11A protein (p.Lys304Glu). This variant is not present in population databases (gnomAD no frequency). This variant has not been reported in the literature in individuals affected with SCN11A-related conditions. Advanced modeling of protein sequence and biophysical properties (such as structural, functional, and spatial information, amino acid conservation, physicochemical variation, residue mobility, and thermodynamic stability) performed at Invitae indicates that this missense variant is not expected to disrupt SCN11A protein function with a negative predictive value of 80%. In summary, the available evidence is currently insufficient to determine the role of this variant in disease. Therefore, it has been classified as a Variant of Uncertain Significance.